The following is an entry in ClinVar:

NM_000278.5(PAX2):c.752del (p.Pro251fs)

Gene: PAX2 (paired box 2; plus strand). Cytogenetic location: 10q24.31.
Variant type: Deletion.
Coding change: c.752del on transcript NM_000278.5 (MANE Select); coding-DNA position 752, one base deleted (C; older notation c.752delC).
Protein change: p.Pro251fs; shifts the reading frame from proline 251.
Molecular consequence: frameshift variant.
Genome position (GRCh38, 1-based): chr10:100,806,565, C deleted; the last of 3 consecutive C bases (chr10:100,806,563-100,806,565); deleting any one gives the same sequence. VCF-style (leftmost placement, unchanged base first): chr10-100806562-AC-A. GRCh37 (hg19) VCF-style: chr10-102566319-AC-A.
Other names: c.845del, p.Pro282fs (NM_001304569.2); c.821del, p.Pro274fs (NM_003987.5, NM_003990.5); c.752del, p.Pro251fs (NM_003988.5, NM_003989.5); short protein forms P251fs, P274fs, P282fs.
Identifiers: ClinVar variation 3749636 (VCV003749636.2).

ClinVar aggregate classification (germline): Pathogenic (1 of 4 stars; one submission).

Conditions:
Renal coloboma syndrome (PAPRS). Also called: PAPILLORENAL SYNDROME; COLOBOMA OF OPTIC NERVE WITH RENAL DISEASE; OPTIC COLOBOMA, VESICOURETERAL REFLUX, AND RENAL ANOMALIES; OPTIC NERVE COLOBOMA WITH RENAL DISEASE; RENAL-COLOBOMA SYNDROME WITH MACULAR ABNORMALITIES; PAPILLORENAL SYNDROME WITH MILD OCULAR ABNORMALITIES. Identifiers: Orphanet 1475, MedGen C1852759, MONDO:0007352, OMIM 120330.
Focal segmental glomerulosclerosis 7 (FSGS7). Identifiers: Orphanet 656, MedGen C4014925, MONDO:0014451, OMIM 616002.

Submission:

Labcorp Genetics (formerly Invitae), Labcorp
Classification: Pathogenic for Renal coloboma syndrome; Focal segmental glomerulosclerosis 7. Last evaluated: 2024-08-21. Review status: criteria provided, single submitter. Criteria: Invitae Variant Classification Sherloc (09022015). Collection method: clinical testing. Allele origin: germline.
Comment: This sequence change creates a premature translational stop signal (p.Pro251Leufs*23) in the PAX2 gene. It is expected to result in an absent or disrupted protein product. Loss-of-function variants in PAX2 are known to be pathogenic (PMID: 11461952, 24676634, 35444690). This variant is not present in population databases (gnomAD no frequency). This premature translational stop signal has been observed in individual(s) with PAX2-related conditions (PMID: 33226606). This variant is also known as c.821delC p.(Pro274Leufs*23) . For these reasons, this variant has been classified as Pathogenic.

Literature cited by the submitters: PubMed 11461952; PubMed 24676634; PubMed 35444690; PubMed 33226606.